The following is an entry in ClinVar:

NM_005245.4(FAT1):c.10271C>T (p.Thr3424Met)

Gene: FAT1 (FAT atypical cadherin 1; minus strand). Cytogenetic location: 4q35.2.
Variant type: single nucleotide variant.
Coding change: c.10271C>T on transcript NM_005245.4 (MANE Select); coding-DNA position 10271, C replaced by T.
Protein change: p.Thr3424Met; replaces threonine 3424 with methionine.
Molecular consequence: missense variant.
Genome position (GRCh38, 1-based): chr4:186,606,149, G>A on the plus strand (C>T on the coding strand, the complement: FAT1 is on the minus strand). VCF-style: chr4-186606149-G-A. GRCh37 (hg19) VCF-style: chr4-187527303-G-A.
Other names: short protein forms T3424M.
Identifiers: ClinVar variation 2655221 (VCV002655221.24), dbSNP rs774392890, ClinGen allele CA3165413.

ClinVar aggregate classification (germline): Likely benign (1 of 4 stars; one submission).

Allele frequency attached by ClinVar (database versions not stated): gnomAD exomes 0.00002; TOPMed 0.00002; ExAC 0.00003.
gnomAD v4.1: 28 of 1,613,368 alleles (0.0017%); highest among the groups gnomAD compares: Middle Eastern, 0.05%; 1 homozygote.

Submission:

CeGaT Center for Human Genetics Tuebingen
Classification: Likely benign. Last evaluated: 2022-05-01. Review status: criteria provided, single submitter. Criteria: CeGaT Center For Human Genetics Tuebingen Variant Classification Criteria Version 2. Collection method: clinical testing. Allele origin: germline. Affected: yes. Observed: 1 variant allele.
Comment: FAT1: BP4